The following is an entry in ClinVar:

ClinVar aggregate classification (germline): Uncertain significance. Review status: criteria provided, multiple submitters, no conflicts (2 of 4 stars). 3 submissions from 3 submitters: Uncertain significance (3). Last evaluated 2025-12-08.

Conditions:
Septo-optic dysplasia sequence (SOD). Also called: Septo-optic dysplasia; DE MORSIER SYNDROME. Identifiers: Orphanet 3157, MedGen C0338503, MONDO:0008428, OMIM 182230, HP:0100842.
GROWTH HORMONE DEFICIENCY WITH PITUITARY ANOMALIES. Identifiers: MedGen C2750027, OMIM 182230.

Allele frequency attached by ClinVar (database versions not stated): gnomAD 0.00001; TOPMed 0.00001; gnomAD exomes 0.00002.
gnomAD v4.1: 32 of 1,613,882 alleles (0.002%); highest among the groups gnomAD compares: Non-Finnish European, 0.0024%; no homozygotes.

Submissions (3):

Labcorp Genetics (formerly Invitae), Labcorp
Classification: Uncertain significance for GROWTH HORMONE DEFICIENCY WITH PITUITARY ANOMALIES; Septo-optic dysplasia sequence. Last evaluated: 2025-12-08. Review status: criteria provided, single submitter. Criteria: Invitae Variant Classification Sherloc (09022015). Collection method: clinical testing. Allele origin: germline.
Comment: This sequence change replaces glycine, which is neutral and non-polar, with glutamic acid, which is acidic and polar, at codon 12 of the HESX1 protein (p.Gly12Glu). This variant is present in population databases (no rsID available, gnomAD 0.004%). This missense change has been observed in individual(s) with HESX1-related conditions (PMID: 39039281). ClinVar contains an entry for this variant (Variation ID: 2177007). An algorithm developed to predict the effect of missense changes on protein structure and function (PolyPhen-2) suggests that this variant is likely to be tolerated. In summary, the available evidence is currently insufficient to determine the role of this variant in disease. Therefore, it has been classified as a Variant of Uncertain Significance.

CeGaT Center for Human Genetics Tuebingen
Classification: Uncertain significance. Last evaluated: 2024-12-01. Review status: criteria provided, single submitter. Criteria: CeGaT Center For Human Genetics Tuebingen Variant Classification Criteria Version 2. Collection method: clinical testing. Allele origin: germline. Affected: yes. Observed: 1 variant allele.

Women's Health and Genetics/Laboratory Corporation of America, LabCorp
Classification: Uncertain significance. Last evaluated: 2024-07-12. Review status: criteria provided, single submitter. Criteria: LabCorp Variant Classification Summary - May 2015. Collection method: clinical testing. Allele origin: germline.
Comment: Variant summary: HESX1 c.35G>A (p.Gly12Glu) results in a non-conservative amino acid change in the encoded protein sequence. Four of five in-silico tools predict a benign effect of the variant on protein function. The variant allele was found at a frequency of 1.2e-05 in 251484 control chromosomes. The available data on variant occurrences in the general population are insufficient to allow any conclusion about variant significance. To our knowledge, no occurrence of c.35G>A in individuals affected with HESX1-Related Disorders and no experimental evidence demonstrating its impact on protein function have been reported. ClinVar contains an entry for this variant (Variation ID: 2177007). Based on the evidence outlined above, the variant was classified as uncertain significance.

Literature cited by the submitters: PubMed 39039281 (cited by Labcorp Genetics (formerly Invitae), Labcorp).

NM_003865.3(HESX1):c.35G>A (p.Gly12Glu)

Gene: HESX1 (HESX homeobox 1; minus strand). Cytogenetic location: 3p14.3.
Variant type: single nucleotide variant.
Coding change: c.35G>A on transcript NM_003865.3 (MANE Select); coding-DNA position 35, G replaced by A.
Protein change: p.Gly12Glu; replaces glycine 12 with glutamic acid.
Molecular consequence: missense variant.
Genome position (GRCh38, 1-based): chr3:57,199,884, C>T on the plus strand (G>A on the coding strand, the complement: HESX1 is on the minus strand). VCF-style: chr3-57199884-C-T. GRCh37 (hg19) VCF-style: chr3-57233912-C-T.
Other names: c.35G>A, p.Gly12Glu (NM_001376058.1, NM_001376059.1, NM_001376060.1 and 1 more transcripts); short protein forms G12E.
Identifiers: ClinVar variation 2177007 (VCV002177007.18), dbSNP rs1211787671, ClinGen allele CA353402179.